The following is an entry in ClinVar:

ClinVar aggregate classification (germline): Uncertain significance (1 of 4 stars; one submission).

Conditions:
Nephronophthisis. Also called: Juvenile Nephronophthisis. Identifiers: Orphanet 655, MedGen C0687120, MONDO:0019005, HP:0000090.

Submission:

Labcorp Genetics (formerly Invitae), Labcorp
Classification: Uncertain significance for Nephronophthisis. Last evaluated: 2021-08-26. Review status: criteria provided, single submitter. Criteria: Invitae Variant Classification Sherloc (09022015). Collection method: clinical testing. Allele origin: germline.
Comment: This sequence change replaces leucine with glutamine at codon 130 of the NPHP3 protein (p.Leu130Gln). The leucine residue is moderately conserved and there is a moderate physicochemical difference between leucine and glutamine. This variant is not present in population databases (ExAC no frequency). This variant has not been reported in the literature in individuals affected with NPHP3-related conditions. Algorithms developed to predict the effect of missense changes on protein structure and function are either unavailable or do not agree on the potential impact of this missense change (SIFT: "Deleterious"; PolyPhen-2: "Probably Damaging"; Align-GVGD: "Class C0"). In summary, the available evidence is currently insufficient to determine the role of this variant in disease. Therefore, it has been classified as a Variant of Uncertain Significance.

NM_153240.5(NPHP3):c.389T>A (p.Leu130Gln)

Genes: NPHP3 (nephrocystin 3; minus strand), NPHP3-ACAD11 (NPHP3-ACAD11 readthrough (NMD candidate); minus strand), NPHP3-AS1 (NPHP3 antisense RNA 1; plus strand). Cytogenetic location: 3q22.1.
Variant type: single nucleotide variant.
Coding change: c.389T>A on transcript NM_153240.5 (MANE Select); coding-DNA position 389, T replaced by A.
Protein change: p.Leu130Gln; replaces leucine 130 with glutamine.
Molecular consequence: missense variant. On other transcripts: non-coding transcript variant (3).
Genome position (GRCh38, 1-based): chr3:132,721,967, A>T on the plus strand (T>A on the coding strand, the complement: NPHP3 is on the minus strand). VCF-style: chr3-132721967-A-T. GRCh37 (hg19) VCF-style: chr3-132440811-A-T.
Other names: short protein forms L130Q.
Identifiers: ClinVar variation 1478653 (VCV001478653.5), dbSNP rs2108007468, ClinGen allele CA354588735.